The following is an entry in ClinVar:

ClinVar aggregate classification (germline): Uncertain significance (1 of 4 stars; one submission).

Submission:

Labcorp Genetics (formerly Invitae), Labcorp
Classification: Uncertain significance. Last evaluated: 2025-07-30. Review status: criteria provided, single submitter. Criteria: Invitae Variant Classification Sherloc (09022015). Collection method: clinical testing. Allele origin: germline.
Comment: This variant, c.302_304del, results in the deletion of 1 amino acid(s) of the TNFRSF6B protein (p.Glu101del), but otherwise preserves the integrity of the reading frame. This variant is present in population databases (rs752546628, gnomAD 0.01%). This variant has not been reported in the literature in individuals affected with TNFRSF6B-related conditions. Experimental studies and prediction algorithms are not available or were not evaluated, and the functional significance of this variant is currently unknown. In summary, the available evidence is currently insufficient to determine the role of this variant in disease. Therefore, it has been classified as a Variant of Uncertain Significance.

NM_003823.4(TNFRSF6B):c.296AGG[2] (p.Glu101del)

Genes: RTEL1-TNFRSF6B (RTEL1-TNFRSF6B readthrough (NMD candidate); plus strand), TNFRSF6B (TNF receptor superfamily member 6b; plus strand). Cytogenetic location: 20q13.33.
Variant type: Microsatellite.
Coding change: c.296AGG[2] on transcript NM_003823.4 (MANE Select); two copies in a row of the 3-base unit AGG starting at c.296; the reference has three copies in a row; one copy, 3 bases deleted.
Protein change: p.Glu101del; deletes glutamic acid 101.
Molecular consequence: inframe deletion. On other transcripts: non-coding transcript variant (1).
Genome position (GRCh38, 1-based): chr20:63,697,069-63,697,071, AGG deleted; deleting any 3 consecutive bases within chr20:63,697,062-63,697,071 gives the same sequence; the position shown is the placement nearest the transcript's 3' end. VCF-style (leftmost placement, unchanged base first): chr20-63697061-TGAG-T. GRCh37 (hg19) VCF-style: chr20-62328414-TGAG-T.
Other names: short protein forms E101del.
Identifiers: ClinVar variation 1987520 (VCV001987520.4), dbSNP rs752546628, ClinGen allele CA9966402.
Genomic context (GRCh38, chr20:63,697,061, plus strand): 5'-CACGCAGTTCTGGAACTACCTAGAGCGCTGCCGCTACTGCAACGTCCTCTGCGGGGAGCG[TGAG>T]GAGGAGGCACGGGCTTGCCACGCCACCCACAACCGTGCCTGCCGCTGCCGCACCGGCTTC-3'